The following is an entry in ClinVar:

ClinVar aggregate classification (germline): Pathogenic. Review status: criteria provided, multiple submitters, no conflicts (2 of 4 stars). 4 submissions from 4 submitters: Pathogenic (3). 1 of the submissions does not count toward it. Last evaluated 2026-03-06.

Conditions:
Hereditary insensitivity to pain with anhidrosis (CIPA). Also called: NTRK1 Congenital Insensitivity to Pain with Anhidrosis; INSENSITIVITY TO PAIN, CONGENITAL, WITH ANHIDROSIS; NEUROPATHY, CONGENITAL SENSORY, WITH ANHIDROSIS; hereditary sensory and autonomic neuropathy type 4; FAMILIAL DYSAUTONOMIA, TYPE II; HSAN Type IV. Identifiers: Orphanet 642, MedGen C0020074, MONDO:0009746, OMIM 256800.

Allele frequency attached by ClinVar (database versions not stated): TOPMed below 0.00001; gnomAD 0.00001; gnomAD exomes 0.00001.

Submissions (4):

Myriad Genetics, Inc.
Classification: Pathogenic for Hereditary insensitivity to pain with anhidrosis. Last evaluated: 2026-03-06. Review status: criteria provided, single submitter. Criteria: Myriad Autosomal Dominant, Autosomal Recessive and X-Linked Classification Criteria (2023). Collection method: clinical testing. Allele origin: unknown.
Comment: NM_002529.3(NTRK1):c.207_208delTG(E70Afs*16) is a frameshift variant classified as pathogenic in the context of congenital insensitivity to pain with anhidrosis, NTRK1-related. E70Afs*16 has been observed in cases with relevant disease (PMID: 19250380, 34405299). Relevant functional assessments of this variant are not available in the literature. E70Afs*16 has not been observed in referenced population frequency databases. In summary, NM_002529.3(NTRK1):c.207_208delTG(E70Afs*16) is a frameshift variant in a gene where loss of function is a known mechanism of disease, is predicted to disrupt protein function, and has been observed more frequently in cases with the relevant disease than in healthy populations. Please note: this variant was assessed in the context of healthy population screening.

Natera, Inc.
Classification: Pathogenic for Hereditary insensitivity to pain with anhidrosis. Last evaluated: 2025-04-14. Review status: criteria provided, single submitter. Criteria: Natera Variant Classification Schema (03/2026). Collection method: clinical testing. Allele origin: germline.
Comment: The c.207_208delTG variant in NTRK1 is a frameshift variant predicted to shift the reading frame beginning at codon 70 and leads to a stop codon 16 codons downstream. This variant is expected to result in nonsense mediated decay, truncation, or a dysfunctional protein product. This variant is rare in the general population with a frequency below the threshold expected for the associated phenotype(s). This variant has been observed in one or more individuals affected with the associated recessive disease, as either homozygous or compound heterozygous with a second variant (PMID: 34405299, 19250380). Additionally, this variant has been observed to segregate in affected family members (PMID: 19250380). Given the available evidence, this variant is classified as Pathogenic.

Labcorp Genetics (formerly Invitae), Labcorp
Classification: Pathogenic for Hereditary insensitivity to pain with anhidrosis. Last evaluated: 2023-03-27. Review status: criteria provided, single submitter. Criteria: Invitae Variant Classification Sherloc (09022015). Collection method: clinical testing. Allele origin: germline.
Comment: For these reasons, this variant has been classified as Pathogenic. ClinVar contains an entry for this variant (Variation ID: 29920). This variant is also known as c.207-208 delTG. This premature translational stop signal has been observed in individual(s) with congenital insensitivity to pain and anhidrosis (PMID: 19250380). It has also been observed to segregate with disease in related individuals. This variant is present in population databases (rs398122810, gnomAD 0.007%). This sequence change creates a premature translational stop signal (p.Glu70Alafs*16) in the NTRK1 gene. It is expected to result in an absent or disrupted protein product. Loss-of-function variants in NTRK1 are known to be pathogenic (PMID: 10982191).

OMIM
Classification: Pathogenic for INSENSITIVITY TO PAIN, CONGENITAL, WITH ANHIDROSIS. Last evaluated: 2009-03-01. Review status: no assertion criteria provided. Collection method: literature only. Allele origin: germline. Not counted in ClinVar's aggregate classification.

Literature cited by the submitters: PubMed 19250380 (cited by 4 submitters); PubMed 34405299 (cited by Myriad Genetics, Inc. and Natera, Inc.); PubMed 10982191 (cited by Labcorp Genetics (formerly Invitae), Labcorp).

NM_002529.4(NTRK1):c.207_208del (p.Glu70fs)

Gene: NTRK1 (neurotrophic receptor tyrosine kinase 1; plus strand). Cytogenetic location: 1q23.1.
Variant type: Deletion.
Coding change: c.207_208del on transcript NM_002529.4 (MANE Select); coding-DNA positions 207 to 208, 2 bases deleted (TG; older notation c.207_208delTG).
Protein change: p.Glu70fs; shifts the reading frame from glutamic acid 70.
Molecular consequence: frameshift variant. On other transcripts: intron variant (1).
Genome position (GRCh38, 1-based): chr1:156,861,141-156,861,142, TG deleted. VCF-style (leftmost placement, unchanged base first): chr1-156861140-CTG-C. GRCh37 (hg19) VCF-style: chr1-156830932-CTG-C.
Other names: c.207_208del, p.Glu70fs (NM_001012331.2); c.123-3213_123-3212del (NM_001007792.1); c.207_208delTG (NM_001012331.1); short protein forms E70fs.
Identifiers: ClinVar variation 29920 (VCV000029920.11), dbSNP rs398122810, ClinGen allele CA259685.
Genomic context (GRCh38, chr1:156,861,140, plus strand): 5'-GATGCACCCGGGATGGGGCCCTGGATAGCCTCCACCACCTGCCCGGCGCAGAGAACCTGA[CTG>C]AGCTGTGAGTGTCCGGCGGGCGGTGGGGGGGCGCGGGGACAGGCAGGCATTGCAGTGCCC-3'